The following is an entry in ClinVar:

NM_006017.3(PROM1):c.1984-1G>T

Gene: PROM1 (prominin 1; minus strand). Cytogenetic location: 4p15.32.
Variant type: single nucleotide variant.
Coding change: c.1984-1G>T on transcript NM_006017.3 (MANE Select); the canonical splice acceptor site of the intron before coding-DNA position 1984, G replaced by T.
Molecular consequence: splice acceptor variant.
Genome position (GRCh38, 1-based): chr4:15,989,825, C>A on the plus strand (G>T on the coding strand, the complement: PROM1 is on the minus strand). VCF-style: chr4-15989825-C-A. GRCh37 (hg19) VCF-style: chr4-15991448-C-A.
Other names: NP_006008.1:p.?; c.1957-1G>T (NM_001145848.2, NM_001145852.2, NM_001145847.2 and 4 more transcripts); c.1984-1G>T (NM_001145850.2, NM_001145849.2).
Identifiers: ClinVar variation 802053 (VCV000802053.18), dbSNP rs373680665, ClinGen allele CA2866549.
Genomic context (GRCh38, chr4:15,989,825, plus strand): 5'-GTGAATTGTTTTAATAGTTTGTGCATCTCTTTTCAGGGAGTTCCTCAAATTTCCTGGGGG[C>A]TACAAAAAGAATAAAAAACAAAGATCAATACCATCTTTCCAGACTCAAAGCACTCTCGCT-3'

ClinVar aggregate classification (germline): Pathogenic. Review status: criteria provided, multiple submitters, no conflicts (2 of 4 stars). 9 submissions from 8 submitters: Pathogenic (8). 1 of the submissions does not count toward it. Last evaluated 2026-06-10.

Conditions:
Stargardt disease (FFM). Also called: Stargardt's disease; Fundus flavimaculatus. Identifiers: Orphanet 827, MedGen C0271093, MONDO:0019353.
Retinitis pigmentosa 41 (RP41). Also called: RETINAL DEGENERATION, AUTOSOMAL RECESSIVE, PROMININ-RELATED. Identifiers: Orphanet 791, MedGen C2677516, MONDO:0012796, OMIM 612095.
PROM1-related disorder. Also called: PROM1-related condition; PROM1-related disorders.
Leber congenital amaurosis (LCA). Also called: Leber's amaurosis. Identifiers: Orphanet 65, MedGen C0339527, MeSH D057130, MONDO:0018998.
Cone-rod dystrophy. Also called: Cone/cone-rod dystrophy; Cone-rod degeneration. Identifiers: Orphanet 1872, MedGen C4085590, MONDO:0015993, HP:0000548.

Allele frequency attached by ClinVar (database versions not stated): TOPMed below 0.00001; gnomAD 0.00001; gnomAD exomes 0.00001 and 0.00002; ExAC 0.00002; ESP Exome Variant Server 0.00008.
gnomAD v4.1: 9 of 1,593,398 alleles (0.00056%); highest among the groups gnomAD compares: Admixed American, 0.0052%; no homozygotes.

Submissions (9):

PreventionGenetics, part of Exact Sciences
Classification: Pathogenic for PROM1-related condition. Last evaluated: 2026-06-10. Review status: criteria provided, single submitter. Criteria: ACMG Guidelines, 2015. Collection method: clinical testing. Allele origin: germline.
Comment: The PROM1 c.1984-1G>T variant is predicted to disrupt the AG splice acceptor site and interfere with normal splicing. This variant has been reported in the homozygous state in individuals with retinal dystrophy, cone-rod dystrophy, retinitis pigmentosa, or Leber congenital amaurosis (for example, de Castro-Miró et al 2014. PubMed ID: 24516651; Del Pozo-Valero et al. 2019. PubMed ID: 31129250; Table S4, Panneman et al. 2023. PubMed ID: 36819107). This variant is reported in 0.0095% of alleles in individuals of Latino descent in gnomAD. Variants that disrupt the consensus splice acceptor site in PROM1 are expected to be pathogenic. This variant is interpreted as pathogenic.

Labcorp Genetics (formerly Invitae), Labcorp
Classification: Pathogenic. Last evaluated: 2025-11-24. Review status: criteria provided, single submitter. Criteria: Invitae Variant Classification Sherloc (09022015). Collection method: clinical testing. Allele origin: germline.
Comment: This sequence change affects an acceptor splice site in intron 17 of the PROM1 gene. It is expected to disrupt RNA splicing. Variants that disrupt the donor or acceptor splice site typically lead to a loss of protein function (PMID: 16199547), and loss-of-function variants in PROM1 are known to be pathogenic (PMID: 17605048, 19718270, 24154662, 25474345). The frequency data for this variant in the population databases is considered unreliable, as metrics indicate poor data quality at this position in the gnomAD database. Disruption of this splice site has been observed in individuals with autosomal recessive PROM1-related retinal dystrophy (PMID: 24516651, 31129250). ClinVar contains an entry for this variant (Variation ID: 802053). Algorithms developed to predict the effect of sequence changes on RNA splicing suggest that this variant may disrupt the consensus splice site. For these reasons, this variant has been classified as Pathogenic.

Revvity Omics, Revvity
Classification: Pathogenic. Last evaluated: 2024-05-21. Review status: criteria provided, single submitter. Criteria: ACMG Guidelines, 2015. Collection method: clinical testing. Allele origin: germline.

Ophthalmic Genetics Group, Institute of Molecular and Clinical Ophthalmology Basel
Classification: Pathogenic for Cone-rod dystrophy. Last evaluated: 2023-07-24. Review status: criteria provided, single submitter. Criteria: ACMG Guidelines, 2015. Collection method: research. Allele origin: germline. Affected: yes. Observed: 3 variant alleles.
Comment: Clinical significance based on ACMG v2.0

This variant was classified as Pathogenic based on ACMG criteria: PVS1, PP5, PM2.

Ophthalmic Genetics Group, Institute of Molecular and Clinical Ophthalmology Basel
Classification: Pathogenic for Leber congenital amaurosis. Last evaluated: 2023-07-24. Review status: criteria provided, single submitter. Criteria: ACMG Guidelines, 2015. Collection method: research. Allele origin: germline. Affected: yes. Observed: 1 variant allele.
Comment: the same text as in the submission from Ophthalmic Genetics Group, Institute of Molecular and Clinical Ophthalmology Basel above.

DBGen Ocular Genomics
Classification: Pathogenic for Retinitis pigmentosa 41. Last evaluated: 2021-06-21. Review status: criteria provided, single submitter. Criteria: ACMG Guidelines, 2015. Collection method: clinical testing. Allele origin: germline. Affected: yes. Observed: 1 variant allele.

Blueprint Genetics
Classification: Pathogenic for PROM1-related disorders. Last evaluated: 2021-03-30. Review status: criteria provided, single submitter. Criteria: ACMG Guidelines, 2015. Collection method: clinical testing. Allele origin: germline. Affected: yes. Observed: 3 variant alleles.

Mendelics
Classification: Pathogenic for Retinitis pigmentosa 41. Last evaluated: 2019-05-28. Review status: criteria provided, single submitter. Criteria: Mendelics Assertion Criteria 2017. Collection method: clinical testing. Allele origin: unknown.

Ophthalmo-Genetics Lab, Instituto de Oftalmologia Conde de Valenciana
Classification: Pathogenic for Stargardt disease. Last evaluated: 2022-12-14. Review status: no assertion criteria provided. Collection method: research. Allele origin: biparental. Inheritance: Autosomal recessive inheritance. Affected: yes. Observed: 1 compound heterozygote. Not counted in ClinVar's aggregate classification.

Literature cited by the submitters: PubMed 16199547 (cited by Labcorp Genetics (formerly Invitae), Labcorp); PubMed 17605048 (cited by Labcorp Genetics (formerly Invitae), Labcorp); PubMed 19718270 (cited by Labcorp Genetics (formerly Invitae), Labcorp); PubMed 24154662 (cited by Labcorp Genetics (formerly Invitae), Labcorp); PubMed 25474345 (cited by Labcorp Genetics (formerly Invitae), Labcorp); PubMed 24516651 (cited by Labcorp Genetics (formerly Invitae), Labcorp); PubMed 31129250 (cited by Labcorp Genetics (formerly Invitae), Labcorp); PubMed 36909829 (cited by Ophthalmic Genetics Group, Institute of Molecular and Clinical Ophthalmology Basel); PubMed 30588538 (cited by Ophthalmo-Genetics Lab, Instituto de Oftalmologia Conde de Valenciana).